The following is an entry in ClinVar:

ClinVar aggregate classification (germline): Uncertain significance (1 of 4 stars; one submission).

Conditions:
Joubert syndrome. Also called: CEREBELLOPARENCHYMAL DISORDER IV; JOUBERT-BOLTSHAUSER SYNDROME; Familial aplasia of the vermis. Identifiers: Orphanet 475, MedGen C5979921, MONDO:0018772.

Submission:

Labcorp Genetics (formerly Invitae), Labcorp
Classification: Uncertain significance for Joubert syndrome. Last evaluated: 2022-05-31. Review status: criteria provided, single submitter. Criteria: Invitae Variant Classification Sherloc (09022015). Collection method: clinical testing. Allele origin: germline.
Comment: This variant results in a copy number gain of the genomic region encompassing exon(s) 5 of the TMEM216 gene. This region includes the termination codon of the gene. This copy number gain extends beyond the assayed region for this gene and therefore may encompass additional genes. As the precise location of this event is unknown, it may be in tandem or it may be located elsewhere in the genome. This variant has not been reported in the literature in individuals affected with TMEM216-related conditions. Experimental studies and prediction algorithms are not available or were not evaluated, and the functional significance of this variant is currently unknown. In summary, the available evidence is currently insufficient to determine the role of this variant in disease. Therefore, it has been classified as a Variant of Uncertain Significance.

NC_000011.9:g.(?_61165722)_(61197674_?)dup

Genes: CPSF7 (cleavage and polyadenylation specific factor 7; minus strand), SDHAF2 (succinate dehydrogenase complex assembly factor 2; plus strand), TMEM216 (transmembrane protein 216; plus strand). Cytogenetic location: 11q12.2.
Variant type: Duplication.
Identifiers: ClinVar variation 2423926 (VCV002423926.5).